The following is an entry in ClinVar:

ClinVar aggregate classification (germline): Uncertain significance. Review status: criteria provided, multiple submitters, no conflicts (2 of 4 stars). 2 submissions from 2 submitters: Uncertain significance (2). Last evaluated 2024-11-24.

gnomAD v4.1: 5 of 1,612,576 alleles (0.00031%); highest among the groups gnomAD compares: African/African-American, 0.0053%; no homozygotes.

Submissions (2):

Ambry Genetics
Classification: Uncertain significance. Last evaluated: 2024-11-24. Review status: criteria provided, single submitter. Criteria: Ambry Variant Classification Scheme 2023. Collection method: clinical testing. Allele origin: germline.

Labcorp Genetics (formerly Invitae), Labcorp
Classification: Uncertain significance. Last evaluated: 2024-09-29. Review status: criteria provided, single submitter. Criteria: Invitae Variant Classification Sherloc (09022015). Collection method: clinical testing. Allele origin: germline.
Comment: This sequence change replaces threonine, which is neutral and polar, with isoleucine, which is neutral and non-polar, at codon 1273 of the HMCN1 protein (p.Thr1273Ile). This variant is present in population databases (rs758151731, gnomAD 0.007%). This variant has not been reported in the literature in individuals affected with HMCN1-related conditions. An algorithm developed to predict the effect of missense changes on protein structure and function outputs the following: PolyPhen-2: "Benign". The isoleucine amino acid residue is found in multiple mammalian species, which suggests that this missense change does not adversely affect protein function. In summary, the available evidence is currently insufficient to determine the role of this variant in disease. Therefore, it has been classified as a Variant of Uncertain Significance.

NM_031935.3(HMCN1):c.3818C>T (p.Thr1273Ile)

Gene: HMCN1 (hemicentin 1; plus strand). Cytogenetic location: 1q31.1.
Variant type: single nucleotide variant.
Coding change: c.3818C>T on transcript NM_031935.3 (MANE Select); coding-DNA position 3818, C replaced by T.
Protein change: p.Thr1273Ile; replaces threonine 1273 with isoleucine.
Molecular consequence: missense variant.
Genome position (GRCh38, 1-based): chr1:185,997,468, C>T. VCF-style: chr1-185997468-C-T. GRCh37 (hg19) VCF-style: chr1-185966600-C-T.
Other names: short protein forms T1273I.
Identifiers: ClinVar variation 3525908 (VCV003525908.3).